The following is an entry in ClinVar:

NM_001267550.2(TTN):c.58022G>A (p.Ser19341Asn)

Genes: TTN (titin; minus strand), TTN-AS1 (TTN antisense RNA 1; plus strand). Cytogenetic location: 2q31.2.
Variant type: single nucleotide variant.
Coding change: c.58022G>A on transcript NM_001267550.2 (MANE Select); coding-DNA position 58022, G replaced by A.
Protein change: p.Ser19341Asn; replaces serine 19341 with asparagine.
Molecular consequence: missense variant.
Genome position (GRCh38, 1-based): chr2:178,594,472, C>T on the plus strand (G>A on the coding strand, the complement: TTN is on the minus strand). VCF-style: chr2-178594472-C-T. GRCh37 (hg19) VCF-style: chr2-179459199-C-T.
Other names: c.53099G>A, p.Ser17700Asn (NM_001256850.1); c.30827G>A, p.Ser10276Asn (NM_003319.4); c.50318G>A, p.Ser16773Asn (NM_133378.4); c.31202G>A, p.Ser10401Asn (NM_133432.3); c.31403G>A, p.Ser10468Asn (NM_133437.4); short protein forms S10276N, S10401N, S10468N, S16773N, S17700N, S19341N.
Identifiers: ClinVar variation 997893 (VCV000997893.19), dbSNP rs536645864, ClinGen allele CA1992943.

ClinVar aggregate classification (germline): Conflicting classifications of pathogenicity. Review status: criteria provided, conflicting classifications (1 of 4 stars). 4 submissions from 4 submitters: Uncertain significance (1); Likely benign (3). Last evaluated 2026-09-01.

Allele frequency attached by ClinVar (database versions not stated): gnomAD 0.00001; TOPMed 0.00001; gnomAD exomes 0.00005 and 0.00008; ExAC 0.00010; 1000 Genomes Project 0.00020; 1000 Genomes Project 30x 0.00031.
gnomAD v4.1: 76 of 1,613,320 alleles (0.0047%); highest among the groups gnomAD compares: South Asian, 0.062%; 1 homozygote.

Submissions (4):

CeGaT Center for Human Genetics Tuebingen
Classification: Likely benign. Last evaluated: 2026-09-01. Review status: criteria provided, single submitter. Criteria: CeGaT Center For Human Genetics Tuebingen Variant Classification Criteria Version 2. Collection method: clinical testing. Allele origin: germline. Affected: yes. Observed: 2 variant alleles.
Comment: TTN: BP4

Revvity Omics, Revvity
Classification: Uncertain significance. Last evaluated: 2025-01-30. Review status: criteria provided, single submitter. Criteria: ACMG Guidelines, 2015. Collection method: clinical testing. Allele origin: germline.

Women's Health and Genetics/Laboratory Corporation of America, LabCorp
Classification: Likely benign. Last evaluated: 2021-02-01. Review status: criteria provided, single submitter. Criteria: LabCorp Variant Classification Summary - May 2015. Collection method: clinical testing. Allele origin: germline.
Comment: Variant summary: TTN c.50318G>A (p.Ser16773Asn) results in a conservative amino acid change located in the A-band of the encoded protein sequence. Four of four in-silico tools predict a benign effect of the variant on protein function. The variant allele was found at a frequency of 7.6e-05 in 248624 control chromosomes, predominantly at a frequency of 0.00059 within the South Asian subpopulation in the gnomAD database. The observed variant frequency within South Asian control individuals in the gnomAD database is approximately 1.5 fold of the estimated maximal expected allele frequency for a pathogenic variant in TTN causing Dilated Cardiomyopathy phenotype (0.00039), suggesting that the variant is a benign polymorphism found primarily in populations of South Asian origin. c.50318G>A has been reported in the literature in at least one individual affected with hypertrophic cardiomyopathy (Mademont-Soler_2017), however it has not been reported in patient with Dilated Cardiomyopathy. This report does not provide unequivocal conclusions about association of the variant with Dilated Cardiomyopathy. To our knowledge, no experimental evidence demonstrating an impact on protein function has been reported. No clinical diagnostic laboratories have submitted clinical-significance assessments for this variant to ClinVar after 2014. Based on the evidence outlined above, the variant was classified as likely benign.

GeneDx
Classification: Likely benign. Last evaluated: 2019-11-12. Review status: criteria provided, single submitter. Criteria: GeneDx Variant Classification Process June 2021. Collection method: clinical testing. Allele origin: germline. Affected: yes.

Literature cited by the submitters: PubMed 28771489 (cited by Women's Health and Genetics/Laboratory Corporation of America, LabCorp).